The following is an entry in ClinVar:

NM_032217.5(ANKRD17):c.6113A>G (p.Tyr2038Cys)

Gene: ANKRD17 (ankyrin repeat domain 17; minus strand). Cytogenetic location: 4q13.3.
Variant type: single nucleotide variant.
Coding change: c.6113A>G on transcript NM_032217.5 (MANE Select); coding-DNA position 6113, A replaced by G.
Protein change: p.Tyr2038Cys; replaces tyrosine 2038 with cysteine.
Molecular consequence: missense variant.
Genome position (GRCh38, 1-based): chr4:73,091,515, T>C on the plus strand (A>G on the coding strand, the complement: ANKRD17 is on the minus strand). VCF-style: chr4-73091515-T-C. GRCh37 (hg19) VCF-style: chr4-73957232-T-C.
Other names: c.5774A>G, p.Tyr1925Cys (NM_001286771.3); c.6110A>G, p.Tyr2037Cys (NM_015574.2); c.5360A>G, p.Tyr1787Cys (NM_198889.3); short protein forms Y1787C, Y1925C, Y2037C, Y2038C.
Identifiers: ClinVar variation 5040683 (VCV005040683.1).

ClinVar aggregate classification (germline): Uncertain significance (1 of 4 stars; one submission).

gnomAD v4.1: 7 of 1,614,132 alleles (0.00043%); highest among the groups gnomAD compares: Non-Finnish European, 0.00059%; no homozygotes.

Submission:

CeGaT Center for Human Genetics Tuebingen
Classification: Uncertain significance. Last evaluated: 2026-08-01. Review status: criteria provided, single submitter. Criteria: CeGaT Center For Human Genetics Tuebingen Variant Classification Criteria Version 2. Collection method: clinical testing. Allele origin: germline. Affected: yes. Observed: 1 variant allele.
Comment: ANKRD17: PS2:Moderate